The following is an entry in ClinVar:

ClinVar aggregate classification (germline): Uncertain significance. Review status: criteria provided, multiple submitters, no conflicts (2 of 4 stars). 2 submissions from 2 submitters: Uncertain significance (2). Last evaluated 2024-03-28.

Conditions:
Cardiovascular phenotype. Identifiers: MedGen CN230736.
Brugada syndrome. Also called: Sudden unexpected nocturnal death syndrome; Sudden unexplained nocturnal death syndrome; Sudden Unexplained Death Syndrome; Sudden Unexplained Nocturnal Death Syndrome (SUNDS). Identifiers: Orphanet 130, MedGen C1142166, MONDO:0015263.

Allele frequency attached by ClinVar (database versions not stated): ExAC 0.00001; gnomAD 0.00001; gnomAD exomes 0.00001; TOPMed 0.00001.
gnomAD v4.1: 7 of 1,612,912 alleles (0.00043%); highest among the groups gnomAD compares: Middle Eastern, 0.017%; no homozygotes.

Submissions (2):

Ambry Genetics
Classification: Uncertain significance for Cardiovascular phenotype. Last evaluated: 2024-03-28. Review status: criteria provided, single submitter. Criteria: Ambry Variant Classification Scheme 2023. Collection method: clinical testing. Allele origin: germline.
Comment: The p.G1406D variant (also known as c.4217G>A), located in coding exon 24 of the SCN10A gene, results from a G to A substitution at nucleotide position 4217. The glycine at codon 1406 is replaced by aspartic acid, an amino acid with similar properties. This amino acid position is not well conserved in available vertebrate species. In addition, the in silico prediction for this alteration is inconclusive. The evidence for this gene-disease relationship is limited; therefore, the clinical significance of this alteration is unclear.

Labcorp Genetics (formerly Invitae), Labcorp
Classification: Uncertain significance for Brugada syndrome. Last evaluated: 2023-08-17. Review status: criteria provided, single submitter. Criteria: Invitae Variant Classification Sherloc (09022015). Collection method: clinical testing. Allele origin: germline.
Comment: ClinVar contains an entry for this variant (Variation ID: 945871). Advanced modeling of protein sequence and biophysical properties (such as structural, functional, and spatial information, amino acid conservation, physicochemical variation, residue mobility, and thermodynamic stability) performed at Invitae indicates that this missense variant is expected to disrupt SCN10A protein function. In summary, the available evidence is currently insufficient to determine the role of this variant in disease. Therefore, it has been classified as a Variant of Uncertain Significance. This sequence change replaces glycine, which is neutral and non-polar, with aspartic acid, which is acidic and polar, at codon 1406 of the SCN10A protein (p.Gly1406Asp). This variant is present in population databases (rs201280426, gnomAD 0.007%). This missense change has been observed in individual(s) with Brugada syndrome (PMID: 24998131).

Literature cited by the submitters: PubMed 24998131 (cited by Labcorp Genetics (formerly Invitae), Labcorp).

NM_006514.4(SCN10A):c.4217G>A (p.Gly1406Asp)

Gene: SCN10A (sodium voltage-gated channel alpha subunit 10; minus strand). Cytogenetic location: 3p22.2.
Variant type: single nucleotide variant.
Coding change: c.4217G>A on transcript NM_006514.4 (MANE Select); coding-DNA position 4217, G replaced by A.
Protein change: p.Gly1406Asp; replaces glycine 1406 with aspartic acid.
Molecular consequence: missense variant.
Genome position (GRCh38, 1-based): chr3:38,709,542, C>T on the plus strand (G>A on the coding strand, the complement: SCN10A is on the minus strand). VCF-style: chr3-38709542-C-T. GRCh37 (hg19) VCF-style: chr3-38751033-C-T.
Other names: c.4217G>A (NM_006514.2); c.4214G>A, p.Gly1405Asp (NM_001293306.2); c.3923G>A, p.Gly1308Asp (NM_001293307.2); short protein forms G1308D, G1406D, G1405D.
Identifiers: ClinVar variation 945871 (VCV000945871.7), dbSNP rs201280426, ClinGen allele CA2319977.
Genomic context (GRCh38, chr3:38,709,542, plus strand): 5'-TTTTTCTGTTGATTGAAGTTGTCAATTATGACCCCAACAAAGAGATTCAGTGTGAAGAAG[C>T]CTCCAAAAATGATGAAGATGACAAAGTACAAATACATGTACACGTTGTCCTCCCACTTGG-3'
Protein context (NP_006505.4, residues 1396-1416): LYFVIFIIFG[Gly1406Asp]FFTLNLFVGV